The following is an entry in ClinVar:

NM_001853.4(COL9A3):c.598G>A (p.Glu200Lys)

Gene: COL9A3 (collagen type IX alpha 3 chain; plus strand). Cytogenetic location: 20q13.33.
Variant type: single nucleotide variant.
Coding change: c.598G>A on transcript NM_001853.4 (MANE Select); coding-DNA position 598, G replaced by A.
Protein change: p.Glu200Lys; replaces glutamic acid 200 with lysine.
Molecular consequence: missense variant.
Genome position (GRCh38, 1-based): chr20:62,824,989, G>A. VCF-style: chr20-62824989-G-A. GRCh37 (hg19) VCF-style: chr20-61456341-G-A.
Other names: c.598G>A (NM_001853.3); short protein forms E200K.
Identifiers: ClinVar variation 1979824 (VCV001979824.6), dbSNP rs1272918678, ClinGen allele CA409590868.

ClinVar aggregate classification (germline): Uncertain significance. Review status: criteria provided, multiple submitters, no conflicts (2 of 4 stars). 2 submissions from 2 submitters: Uncertain significance (2). Last evaluated 2025-04-18.

Conditions:
Vitreoretinopathy. Also called: Vitreoretinal degeneration. Identifiers: MedGen C0344290, MONDO:0020248, HP:0007773.
Intervertebral disc disorder (IDD). Also called: INTERVERTEBRAL DISC DISEASE; Lumbar disk degenerative disorder. Identifiers: MedGen C0158252, MONDO:0044339, OMIM 603932.
Epiphyseal dysplasia, multiple, 3 (EDM3). Also called: COL9A3-Related Multiple Epiphyseal Dysplasia; Epiphyseal dysplasia, multiple, 3, with or without myopathy. Identifiers: MedGen C1832998, MONDO:0010964, OMIM 600969.
Inborn genetic diseases. Identifiers: MedGen C0950123, MeSH D030342.

Allele frequency attached by ClinVar (database versions not stated): gnomAD exomes below 0.00001; TOPMed 0.00001.
gnomAD v4.1: 7 of 1,610,282 alleles (0.00043%); highest among the groups gnomAD compares: African/African-American, 0.0027%; no homozygotes.

Submissions (2):

Ambry Genetics
Classification: Uncertain significance for Inborn genetic diseases. Last evaluated: 2025-04-18. Review status: criteria provided, single submitter. Criteria: Ambry Variant Classification Scheme 2023. Collection method: clinical testing. Allele origin: germline.

Labcorp Genetics (formerly Invitae), Labcorp
Classification: Uncertain significance. Last evaluated: 2022-11-02. Review status: criteria provided, single submitter. Criteria: Invitae Variant Classification Sherloc (09022015). Collection method: clinical testing. Allele origin: germline.
Comment: This sequence change replaces glutamic acid, which is acidic and polar, with lysine, which is basic and polar, at codon 200 of the COL9A3 protein (p.Glu200Lys). In summary, the available evidence is currently insufficient to determine the role of this variant in disease. Therefore, it has been classified as a Variant of Uncertain Significance. Advanced modeling of protein sequence and biophysical properties (such as structural, functional, and spatial information, amino acid conservation, physicochemical variation, residue mobility, and thermodynamic stability) performed at Invitae indicates that this missense variant is not expected to disrupt COL9A3 protein function. This variant has not been reported in the literature in individuals affected with COL9A3-related conditions. This variant is present in population databases (no rsID available, gnomAD 0.004%).